The following is an entry in ClinVar:

NM_006005.3(WFS1):c.271G>A (p.Val91Ile)

Gene: WFS1 (wolframin ER transmembrane glycoprotein; plus strand). Cytogenetic location: 4p16.1.
Variant type: single nucleotide variant.
Coding change: c.271G>A on transcript NM_006005.3 (MANE Select); coding-DNA position 271, G replaced by A.
Protein change: p.Val91Ile; replaces valine 91 with isoleucine.
Molecular consequence: missense variant.
Genome position (GRCh38, 1-based): chr4:6,287,131, G>A. VCF-style: chr4-6287131-G-A. GRCh37 (hg19) VCF-style: chr4-6288858-G-A.
Other names: c.271G>A, p.Val91Ile (NM_001145853.1); short protein forms V91I.
Identifiers: ClinVar variation 1418685 (VCV001418685.7), dbSNP rs149697409, ClinGen allele CA2838833.

ClinVar aggregate classification (germline): Uncertain significance. Review status: criteria provided, multiple submitters, no conflicts (2 of 4 stars). 2 submissions from 2 submitters: Uncertain significance (2). Last evaluated 2025-03-07.

Allele frequency attached by ClinVar (database versions not stated): gnomAD 0.00003 and 0.00004; gnomAD exomes 0.00004 and 0.00005; ESP Exome Variant Server 0.00008; TOPMed 0.00008; ExAC 0.00022.
gnomAD v4.1: 69 of 1,560,874 alleles (0.0044%); highest among the groups gnomAD compares: Non-Finnish European, 0.0053%; no homozygotes.

Submissions (2):

GeneDx
Classification: Uncertain significance. Last evaluated: 2025-03-07. Review status: criteria provided, single submitter. Criteria: GeneDx Variant Classification Process June 2021. Collection method: clinical testing. Allele origin: germline. Affected: yes.
Comment: In silico analysis indicates that this missense variant does not alter protein structure/function; Has not been previously published as pathogenic or benign to our knowledge

Labcorp Genetics (formerly Invitae), Labcorp
Classification: Uncertain significance. Last evaluated: 2024-07-31. Review status: criteria provided, single submitter. Criteria: Invitae Variant Classification Sherloc (09022015). Collection method: clinical testing. Allele origin: germline.
Comment: This sequence change replaces valine, which is neutral and non-polar, with isoleucine, which is neutral and non-polar, at codon 91 of the WFS1 protein (p.Val91Ile). This variant is present in population databases (rs149697409, gnomAD 0.01%). This variant has not been reported in the literature in individuals affected with WFS1-related conditions. ClinVar contains an entry for this variant (Variation ID: 1418685). Advanced modeling of protein sequence and biophysical properties (such as structural, functional, and spatial information, amino acid conservation, physicochemical variation, residue mobility, and thermodynamic stability) performed at Invitae indicates that this missense variant is not expected to disrupt WFS1 protein function with a negative predictive value of 95%. In summary, the available evidence is currently insufficient to determine the role of this variant in disease. Therefore, it has been classified as a Variant of Uncertain Significance.